The following is an entry in ClinVar:

ClinVar aggregate classification (germline): Likely benign. Review status: criteria provided, multiple submitters, no conflicts (2 of 4 stars). 3 submissions from 3 submitters: Likely benign (3). Last evaluated 2024-09-08.

Conditions:
Malignant hyperthermia, susceptibility to, 1 (MHS1). Also called: Anesthesia related hyperthermia; Malignant hyperpyrexia; Fulminating hyperpyrexia; Pharmacogenic myopathy; Malignant hyperthermia suceptibility 1; RYR1-Related Malignant Hyperthermia Susceptibility. Identifiers: Orphanet 423, MedGen C2930980, MONDO:0007783, OMIM 145600.
RYR1-related disorder. Also called: RYR1-related disorders; RYR1-related condition. Identifiers: MedGen CN239331.

Allele frequency attached by ClinVar (database versions not stated): gnomAD exomes below 0.00001.
gnomAD v4.1: 8 of 1,601,644 alleles (0.0005%); highest among the groups gnomAD compares: Middle Eastern, 0.018%; no homozygotes.

Submissions (3):

Labcorp Genetics (formerly Invitae), Labcorp
Classification: Likely benign for RYR1-related disorder. Last evaluated: 2024-09-08. Review status: criteria provided, single submitter. Criteria: Invitae Variant Classification Sherloc (09022015). Collection method: clinical testing. Allele origin: germline.

All of Us Research Program, National Institutes of Health
Classification: Likely benign for Malignant hyperthermia, susceptibility to, 1. Last evaluated: 2024-02-22. Review status: criteria provided, single submitter. Criteria: ACMG Guidelines, 2015. Collection method: clinical testing. Allele origin: germline. Inheritance: Autosomal dominant inheritance. Observed: 1 variant allele, 1 heterozygote.
Comment: This study involves interpretation of variants in research participants for the purpose of population health screening. Participant phenotype was not available at the time of variant classification. Additional details can be found in publication PMID: 35346344, PMCID: PMC8962531

Blueprint Genetics
Classification: Likely benign. Last evaluated: 2023-05-23. Review status: criteria provided, single submitter. Criteria: ACMG Guidelines, 2015. Collection method: clinical testing. Allele origin: germline.

NM_000540.3(RYR1):c.7125G>A (p.Gly2375=)

Gene: RYR1 (ryanodine receptor 1; plus strand). Cytogenetic location: 19q13.2.
Variant type: single nucleotide variant.
Coding change: c.7125G>A on transcript NM_000540.3 (MANE Select); coding-DNA position 7125, G replaced by A.
Protein change: p.Gly2375=; no amino-acid change (glycine 2375 retained).
Molecular consequence: synonymous variant.
Genome position (GRCh38, 1-based): chr19:38,499,732, G>A. VCF-style: chr19-38499732-G-A. GRCh37 (hg19) VCF-style: chr19-38990372-G-A.
Other names: c.7125G>A, p.Gly2375= (NM_001042723.2).
Identifiers: ClinVar variation 2172685 (VCV002172685.6), dbSNP rs1970016105, ClinGen allele CA507353873.